The following is an entry in ClinVar:

ClinVar aggregate classification (germline): Uncertain significance. Review status: criteria provided, multiple submitters, no conflicts (2 of 4 stars). 2 submissions from 2 submitters: Uncertain significance (2). Last evaluated 2025-06-24.

Allele frequency attached by ClinVar (database versions not stated): TOPMed 0.00010; ExAC 0.00012; gnomAD 0.00019.
gnomAD v4.1: 232 of 1,613,216 alleles (0.014%); highest among the groups gnomAD compares: South Asian, 0.035%; 1 homozygote.

Submissions (2):

Labcorp Genetics (formerly Invitae), Labcorp
Classification: Uncertain significance. Last evaluated: 2025-06-24. Review status: criteria provided, single submitter. Criteria: Invitae Variant Classification Sherloc (09022015). Collection method: clinical testing. Allele origin: germline.
Comment: This sequence change replaces threonine, which is neutral and polar, with serine, which is neutral and polar, at codon 1693 of the FBN3 protein (p.Thr1693Ser). This variant is present in population databases (rs771310104, gnomAD 0.03%). This variant has not been reported in the literature in individuals affected with FBN3-related conditions. ClinVar contains an entry for this variant (Variation ID: 2194023). Invitae Evidence Modeling of protein sequence and biophysical properties (such as structural, functional, and spatial information, amino acid conservation, physicochemical variation, residue mobility, and thermodynamic stability) indicates that this missense variant is not expected to disrupt FBN3 protein function with a negative predictive value of 80%. In summary, the available evidence is currently insufficient to determine the role of this variant in disease. Therefore, it has been classified as a Variant of Uncertain Significance.

Ambry Genetics
Classification: Uncertain significance. Last evaluated: 2024-03-01. Review status: criteria provided, single submitter. Criteria: Ambry Variant Classification Scheme 2023. Collection method: clinical testing. Allele origin: germline.

NM_032447.5(FBN3):c.5078C>G (p.Thr1693Ser)

Gene: FBN3 (fibrillin 3; minus strand). Cytogenetic location: 19p13.2.
Variant type: single nucleotide variant.
Coding change: c.5078C>G on transcript NM_032447.5 (MANE Select); coding-DNA position 5078, C replaced by G.
Protein change: p.Thr1693Ser; replaces threonine 1693 with serine.
Molecular consequence: missense variant.
Genome position (GRCh38, 1-based): chr19:8,102,735, G>C on the plus strand (C>G on the coding strand, the complement: FBN3 is on the minus strand). VCF-style: chr19-8102735-G-C. GRCh37 (hg19) VCF-style: chr19-8167619-G-C.
Other names: c.5078C>G (NM_032447.3); c.5078C>G, p.Thr1693Ser (NM_001321431.2); short protein forms T1693S.
Identifiers: ClinVar variation 2194023 (VCV002194023.5), dbSNP rs771310104, ClinGen allele CA9151825.